The following is an entry in ClinVar:

ClinVar aggregate classification (germline): Likely pathogenic (1 of 4 stars; one submission).

Conditions:
Loeys-Dietz syndrome 4 (LDS4). Also called: ANEURYSM, AORTIC AND CEREBRAL, WITH ARTERIAL TORTUOSITY AND SKELETAL MANIFESTATIONS; TGFB2-Related Loeys-Dietz Syndrome. Identifiers: MedGen C3553762, MONDO:0013897, OMIM 614816.

Submission:

Labcorp Genetics (formerly Invitae), Labcorp
Classification: Likely pathogenic for Loeys-Dietz syndrome 4. Last evaluated: 2024-05-06. Review status: criteria provided, single submitter. Criteria: Invitae Variant Classification Sherloc (09022015). Collection method: clinical testing. Allele origin: germline.
Comment: This sequence change affects an acceptor splice site in intron 5 of the TGFB2 gene. It is expected to disrupt RNA splicing. Variants that disrupt the donor or acceptor splice site typically lead to a loss of protein function (PMID: 16199547), and loss-of-function variants in TGFB2 are known to be pathogenic (PMID: 22772368, 22772371, 30739908). This variant is not present in population databases (gnomAD no frequency). This variant has not been reported in the literature in individuals affected with TGFB2-related conditions. Algorithms developed to predict the effect of sequence changes on RNA splicing suggest that this variant may disrupt the consensus splice site. In summary, the currently available evidence indicates that the variant is pathogenic, but additional data are needed to prove that conclusively. Therefore, this variant has been classified as Likely Pathogenic.

Literature cited by the submitters: PubMed 16199547; PubMed 22772368; PubMed 22772371; PubMed 30739908.

NM_003238.6(TGFB2):c.933-2A>C

Gene: TGFB2 (transforming growth factor beta 2; plus strand). Cytogenetic location: 1q41.
Variant type: single nucleotide variant.
Coding change: c.933-2A>C on transcript NM_003238.6 (MANE Select); the canonical splice acceptor site of the intron before coding-DNA position 933, A replaced by C.
Molecular consequence: splice acceptor variant.
Genome position (GRCh38, 1-based): chr1:218,437,341, A>C. VCF-style: chr1-218437341-A-C. GRCh37 (hg19) VCF-style: chr1-218610683-A-C.
Other names: c.1017-2A>C (NM_001135599.4).
Identifiers: ClinVar variation 2699581 (VCV002699581.3), dbSNP rs2464877162, ClinGen allele CA344727382.